The following is an entry in ClinVar:

NM_000038.6(APC):c.718A>G (p.Thr240Ala)

Gene: APC (APC regulator of Wnt signaling pathway; plus strand). Cytogenetic location: 5q22.2.
Variant type: single nucleotide variant.
Coding change: c.718A>G on transcript NM_000038.6 (MANE Select); coding-DNA position 718, A replaced by G.
Protein change: p.Thr240Ala; replaces threonine 240 with alanine.
Molecular consequence: missense variant. On other transcripts: 5 prime UTR variant (1), intron variant (2).
Genome position (GRCh38, 1-based): chr5:112,792,518, A>G. VCF-style: chr5-112792518-A-G. GRCh37 (hg19) VCF-style: chr5-112128215-A-G.
Other names: c.718A>G, p.Thr240Ala (NM_001127510.3, NM_001354895.2, NM_001354896.2 and 1 more transcripts); c.748A>G, p.Thr250Ala (NM_001354897.2, NM_001354902.2); c.643A>G, p.Thr215Ala (NM_001354898.2, NM_001354904.2); c.541A>G, p.Thr181Ala (NM_001354900.2, NM_001354901.2, NM_001354905.2); c.-318A>G (NM_001354906.2); c.676-8761A>G (NM_001127511.3); c.646-8761A>G (NM_001354899.2); short protein forms T240A, T181A, T215A, T250A.
Identifiers: ClinVar variation 482347 (VCV000482347.17), dbSNP rs986809285, ClinGen allele CA16022902.

ClinVar aggregate classification (germline): Uncertain significance. Review status: criteria provided, multiple submitters, no conflicts (2 of 4 stars). 3 submissions from 3 submitters: Uncertain significance (3). Last evaluated 2025-07-20.

Conditions:
Hereditary cancer-predisposing syndrome. Also called: Neoplastic Syndromes, Hereditary; Tumor predisposition; Hereditary Cancer Syndrome; Hereditary neoplastic syndrome. Identifiers: Orphanet 140162, MedGen C0027672, MeSH D009386, MONDO:0015356.
Familial adenomatous polyposis 1 (FAP1). Also called: FAMILIAL ADENOMATOUS POLYPOSIS 1, ATTENUATED; POLYPOSIS, ADENOMATOUS INTESTINAL. Identifiers: MedGen C2713442, MONDO:0021056, OMIM 175100. Disease mechanism: loss of function.
Classic or attenuated familial adenomatous polyposis. Identifiers: MedGen CN372698, MONDO:0021057.

Allele frequency attached by ClinVar (database versions not stated): gnomAD exomes below 0.00001 and 0.00001; TOPMed 0.00001.
gnomAD v4.1: 2 of 1,612,458 alleles (0.00012%); highest among the groups gnomAD compares: Admixed American, 0.0033%; no homozygotes.

Submissions (3):

Ambry Genetics
Classification: Uncertain significance for Hereditary cancer-predisposing syndrome. Last evaluated: 2025-07-20. Review status: criteria provided, single submitter. Criteria: Ambry Variant Classification Scheme 2023. Collection method: clinical testing. Allele origin: germline.
Comment: The p.T240A variant (also known as c.718A>G), located in coding exon 6 of the APC gene, results from an A to G substitution at nucleotide position 718. The threonine at codon 240 is replaced by alanine, an amino acid with similar properties. This amino acid position is not well conserved in available vertebrate species, and alanine is the reference amino acid in other vertebrate species. In addition, in silico predictors for this gene do not accurately predict pathogenicity. Since supporting evidence is limited at this time, the clinical significance of this alteration remains unclear.

Labcorp Genetics (formerly Invitae), Labcorp
Classification: Uncertain significance for Familial adenomatous polyposis 1. Last evaluated: 2024-11-06. Review status: criteria provided, single submitter. Criteria: Invitae Variant Classification Sherloc (09022015). Collection method: clinical testing. Allele origin: germline.
Comment: This sequence change replaces threonine, which is neutral and polar, with alanine, which is neutral and non-polar, at codon 240 of the APC protein (p.Thr240Ala). This variant is present in population databases (no rsID available, gnomAD 0.006%). This variant has not been reported in the literature in individuals affected with APC-related conditions. ClinVar contains an entry for this variant (Variation ID: 482347). Invitae Evidence Modeling of protein sequence and biophysical properties (such as structural, functional, and spatial information, amino acid conservation, physicochemical variation, residue mobility, and thermodynamic stability) indicates that this missense variant is not expected to disrupt APC protein function with a negative predictive value of 95%. In summary, the available evidence is currently insufficient to determine the role of this variant in disease. Therefore, it has been classified as a Variant of Uncertain Significance.

All of Us Research Program, National Institutes of Health
Classification: Uncertain significance for Classic or attenuated familial adenomatous polyposis. Last evaluated: 2024-02-22. Review status: criteria provided, single submitter. Criteria: ACMG Guidelines, 2015. Collection method: clinical testing. Allele origin: germline. Inheritance: Autosomal dominant inheritance. Observed: 1 variant allele, 1 heterozygote.
Comment: This missense variant replaces threonine with alanine at codon 240 of the APC protein. Computational prediction suggests that this variant may not impact protein structure and function (internally defined REVEL score threshold <= 0.5, PMID: 27666373). To our knowledge, functional studies have not been reported for this variant. This variant has not been reported in individuals affected with APC-related disorders in the literature. This variant has been identified in 2/251192 chromosomes in the general population by the Genome Aggregation Database (gnomAD). The available evidence is insufficient to determine the role of this variant in disease conclusively. Therefore, this variant is classified as a Variant of Uncertain Significance.

This study involves interpretation of variants in research participants for the purpose of population health screening. Participant phenotype was not available at the time of variant classification. Additional details can be found in publication PMID: 35346344, PMCID: PMC8962531